The following is an entry in ClinVar:

ClinVar aggregate classification (germline): Pathogenic/Likely pathogenic. Review status: criteria provided, multiple submitters, no conflicts (2 of 4 stars). 5 submissions from 5 submitters: Pathogenic (3); Likely pathogenic (2). Last evaluated 2025-06-03.

Conditions:
Pontocerebellar hypoplasia type 9. Identifiers: Orphanet 369920, MedGen C4014354, MONDO:0014351, OMIM 615809.
Hereditary spastic paraplegia 63. Also called: Spastic paraplegia 63, autosomal recessive. Identifiers: Orphanet 401805, MedGen C3810295, MONDO:0014305, OMIM 615686.
Pontoneocerebellar hypoplasia. Also called: Pontocerebellar hypoplasia; Non-syndromic pontocerebellar hypoplasia. Identifiers: Orphanet 98523, MedGen C1261175, MONDO:0020135.

Allele frequency attached by ClinVar (database versions not stated): gnomAD 0.00008 and 0.00007; gnomAD exomes 0.00002; ExAC 0.00002; TOPMed 0.00006.
gnomAD v4.1: 53 of 1,609,580 alleles (0.0033%); highest among the groups gnomAD compares: Non-Finnish European, 0.0042%; no homozygotes.

Submissions (5):

Labcorp Genetics (formerly Invitae), Labcorp
Classification: Pathogenic for Pontocerebellar hypoplasia type 9; Hereditary spastic paraplegia 63. Last evaluated: 2025-06-03. Review status: criteria provided, single submitter. Criteria: Invitae Variant Classification Sherloc (09022015). Collection method: clinical testing. Allele origin: germline.
Comment: This sequence change creates a premature translational stop signal (p.Glu228*) in the AMPD2 gene. It is expected to result in an absent or disrupted protein product. Loss-of-function variants in AMPD2 are known to be pathogenic (PMID: 23911318). This variant is present in population databases (rs753591864, gnomAD 0.005%). This premature translational stop signal has been observed in individual(s) with clinical features of pontocerebellar hypoplasia (PMID: 29463858). ClinVar contains an entry for this variant (Variation ID: 620339). For these reasons, this variant has been classified as Pathogenic.

Women's Health and Genetics/Laboratory Corporation of America, LabCorp
Classification: Pathogenic for Pontoneocerebellar hypoplasia. Last evaluated: 2024-11-08. Review status: criteria provided, single submitter. Criteria: LabCorp Variant Classification Summary - May 2015. Collection method: clinical testing. Allele origin: germline.
Comment: Variant summary: AMPD2 c.520G>T (p.Glu174X) results in a premature termination codon, predicted to cause a truncation of the encoded protein or absence of the protein due to nonsense mediated decay, which are commonly known mechanisms for disease. The variant allele was found at a frequency of 1.6e-05 in 243090 control chromosomes. c.520G>T has been reported in the literature in compound heterozygous individuals affected with Pontocerebellar Hypoplasia, Type 9 (e.g. Kortum_2018). These data indicate that the variant is likely to be associated with disease. To our knowledge, no experimental evidence demonstrating an impact on protein function has been reported. The following publication has been ascertained in the context of this evaluation (PMID: 29463858). ClinVar contains an entry for this variant (Variation ID: 620339). Based on the evidence outlined above, the variant was classified as pathogenic.

GeneDx
Classification: Pathogenic. Last evaluated: 2024-08-02. Review status: criteria provided, single submitter. Criteria: GeneDx Variant Classification Process June 2021. Collection method: clinical testing. Allele origin: germline. Affected: yes.
Comment: Not observed at significant frequency in large population cohorts (gnomAD); Nonsense variant predicted to result in protein truncation or nonsense mediated decay in a gene for which loss of function is a known mechanism of disease; This variant is associated with the following publications: (PMID: 29463858)

Genome-Nilou Lab
Classification: Likely pathogenic for Pontocerebellar hypoplasia type 9. Last evaluated: 2023-04-11. Review status: criteria provided, single submitter. Criteria: ACMG Guidelines, 2015. Collection method: clinical testing. Allele origin: germline. Affected: no.

Institute of Human Genetics, University of Leipzig Medical Center
Classification: Likely pathogenic for Pontocerebellar hypoplasia type 9. Last evaluated: 2017-03-02. Review status: criteria provided, single submitter. Criteria: ACMG Guidelines, 2015. Collection method: clinical testing. Allele origin: germline.

Literature cited by the submitters: PubMed 23911318 (cited by Labcorp Genetics (formerly Invitae), Labcorp); PubMed 29463858 (cited by 3 submitters).

NM_001368809.2(AMPD2):c.520G>T (p.Glu174Ter)

Gene: AMPD2 (adenosine monophosphate deaminase 2; plus strand). Cytogenetic location: 1p13.3.
Variant type: single nucleotide variant.
Coding change: c.520G>T on transcript NM_001368809.2 (MANE Select); coding-DNA position 520, G replaced by T.
Protein change: p.Glu174Ter; replaces glutamic acid 174 with a stop codon.
Molecular consequence: nonsense.
Genome position (GRCh38, 1-based): chr1:109,626,416, G>T. VCF-style: chr1-109626416-G-T. GRCh37 (hg19) VCF-style: chr1-110169038-G-T.
Other names: c.682G>T (NM_001257360.1); c.328G>T, p.Glu110Ter (NM_001257361.2); c.457G>T, p.Glu153Ter (NM_001308170.1); c.520G>T, p.Glu174Ter (NM_004037.9); c.439G>T, p.Glu147Ter (NM_139156.4); short protein forms E110*, E147*, E153*, E174*.
Identifiers: ClinVar variation 620339 (VCV000620339.11), dbSNP rs753591864, ClinGen allele CA992820.